The following is an entry in ClinVar:

ClinVar aggregate classification (germline): Conflicting classifications of pathogenicity. Review status: criteria provided, conflicting classifications (1 of 4 stars). 25 submissions from 21 submitters: Uncertain significance (4); Benign (4); Likely benign (10). 7 of the submissions do not count toward it. Last evaluated 2026-09-01.

Conditions:
Primary dilated cardiomyopathy (DCM). Also called: Dilated Cardiomyopathy. Identifiers: Orphanet 217604, MedGen C0007193, MeSH D002311, MONDO:0005021, HP:0001644. Inheritance: Various modes of inheritance.
Heart failure. Identifiers: MedGen C0018801, MONDO:0005252.
TTN-related disorder. Also called: TTN-related disorders; TTN-related condition; TTN-related disease.
Cardiovascular phenotype. Identifiers: MedGen CN230736.
Dilated cardiomyopathy 1G (CMD1G). Identifiers: Orphanet 154, MedGen C1858763, MONDO:0011400, OMIM 604145.
Autosomal recessive limb-girdle muscular dystrophy type 2J (LGMDR10). Also called: MUSCULAR DYSTROPHY, LIMB-GIRDLE, AUTOSOMAL RECESSIVE 10; Limb-girdle muscular dystrophy, type 2J. Identifiers: Orphanet 140922, MedGen C1837342, MONDO:0012127, OMIM 608807.
Cardiomyopathy (CMYO). Also called: Cardiomyopathies. Identifiers: Orphanet 167848, MedGen C0878544, MONDO:0004994, HP:0001638. Inheritance: Various modes of inheritance.
Early-onset myopathy with fatal cardiomyopathy (CMYO5). Also called: CONGENITAL MYOPATHY 5 WITH CARDIOMYOPATHY; Salih Myopathy. Identifiers: Orphanet 289377, MedGen C2673677, MONDO:0012714, OMIM 611705. Disease mechanism: loss of function.
Myopathy, myofibrillar, 9, with early respiratory failure (MFM9). Also called: Hereditary myopathy with early respiratory failure; EDSTROM MYOPATHY; Myopathy, distal, with early respiratory failure, autosomal dominant; MYOPATHY, PROXIMAL, WITH EARLY RESPIRATORY MUSCLE INVOLVEMENT. Identifiers: Orphanet 178464, Orphanet 34521, MedGen C1863599, MONDO:0011362, OMIM 603689.
Tibial muscular dystrophy (TMD). Also called: Udd Distal Myopathy – Tibial Muscular Dystrophy; Tibial muscular dystrophy, tardive; UDD MYOPATHY. Identifiers: Orphanet 609, MedGen C1838244, MONDO:0010870, OMIM 600334.

Allele frequency attached by ClinVar (database versions not stated): 1000 Genomes Project 0.00080; gnomAD 0.00095 and 0.00097; gnomAD exomes 0.00105 and 0.00142; ESP Exome Variant Server 0.00107; TOPMed 0.00111; 1000 Genomes Project 30x 0.00062; ExAC 0.00101.
gnomAD v4.1: 2,219 of 1,612,356 alleles (0.14%); highest among the groups gnomAD compares: Non-Finnish European, 0.16%; 2 homozygotes.

Submissions 1 to 15 of 25:

CeGaT Center for Human Genetics Tuebingen
Classification: Likely benign. Last evaluated: 2026-09-01. Review status: criteria provided, single submitter. Criteria: CeGaT Center For Human Genetics Tuebingen Variant Classification Criteria Version 2. Collection method: clinical testing. Allele origin: germline. Affected: yes. Observed: 6 variant alleles.
Comment: TTN: PM2, BS2

Labcorp Genetics (formerly Invitae), Labcorp
Classification: Likely benign for Dilated cardiomyopathy 1G; Autosomal recessive limb-girdle muscular dystrophy type 2J. Last evaluated: 2026-02-01. Review status: criteria provided, single submitter. Criteria: Invitae Variant Classification Sherloc (09022015). Collection method: clinical testing. Allele origin: germline.

Molecular Diagnostic Laboratory for Inherited Cardiovascular Disease, Montreal Heart Institute
Classification: Likely benign. Last evaluated: 2025-04-09. Review status: criteria provided, single submitter. Criteria: ACMG Guidelines, 2015. Collection method: clinical testing. Allele origin: germline. Affected: no.

Blueprint Genetics
Classification: Likely benign. Last evaluated: 2024-11-25. Review status: criteria provided, single submitter. Criteria: ACMG Guidelines, 2015. Collection method: clinical testing. Allele origin: germline.

ARUP Laboratories, Molecular Genetics and Genomics, ARUP Laboratories
Classification: Likely benign. Last evaluated: 2024-08-15. Review status: criteria provided, single submitter. Criteria: ARUP Molecular Germline Variant Investigation Process 2024. Collection method: clinical testing. Allele origin: germline.

Women's Health and Genetics/Laboratory Corporation of America, LabCorp
Classification: Likely benign. Last evaluated: 2021-06-21. Review status: criteria provided, single submitter. Criteria: LabCorp Variant Classification Summary - May 2015. Collection method: clinical testing. Allele origin: germline.
Comment: Variant summary: TTN c.94567C>T (p.Arg31523Trp) results in a non-conservative amino acid change located in the M-band domain of the encoded protein sequence. Three of four in-silico tools predict a damaging effect of the variant on protein function. The variant allele was found at a frequency of 0.0011 in 247286 control chromosomes, predominantly at a frequency of 0.0015 within the Non-Finnish European subpopulation in the gnomAD database. The observed variant frequency within Non-Finnish European control individuals in the gnomAD database is approximately 3.84 fold of the estimated maximal expected allele frequency for a pathogenic variant in TTN causing Dilated Cardiomyopathy phenotype (0.00039), strongly suggesting that the variant is a benign polymorphism found primarily in populations of Non-Finnish European origin. c.94567C>T was initially reported to segregate with disease in two families with hereditary myopathy with early respiratory failure (HMERF; Lange_2005). However, subsequent reports have reported a missense mutation in the fibronectin-like FN3 119 domain of A-band titin in several Swedish families with HMERF (Ohlsson et al., 2012) including the patients reported in Lange_2005, which suggests the second mutation as the likely candidate for pathogenicity in the two initial families reported (Hedberg_2014). One publication reports experimental evidence evaluating an impact on protein function, however, does not allow convincing conclusions about the variant effect (Lange_2005). Nine clinical diagnostic laboratories have submitted clinical-significance assessments for this variant to ClinVar after 2014 without evidence for independent evaluation. Six labs classified the variant as likely benign/benign while three classified as VUS. Based on the evidence outlined above, the variant was classified as likely benign.

GeneDx
Classification: Likely benign. Last evaluated: 2020-08-20. Review status: criteria provided, single submitter. Criteria: GeneDx Variant Classification Process June 2021. Collection method: clinical testing. Allele origin: germline. Affected: yes.
Comment: This variant is associated with the following publications: (PMID: 24055113, 24231549, 15802564, 24569025, 23514108, 23446887, 24625729, 26272908, 23486992, 24271327, 24578547, 28009443, 28256728, 27194543, 23861362, 33232181)

Athena Diagnostics
Classification: Benign. Last evaluated: 2020-06-29. Review status: criteria provided, single submitter. Criteria: Athena Diagnostics Criteria. Collection method: clinical testing. Allele origin: unknown.

CHEO Genetics Diagnostic Laboratory, Children's Hospital of Eastern Ontario
Classification: Benign for Cardiomyopathy. Last evaluated: 2020-06-08. Review status: criteria provided, single submitter. Criteria: ACMG Guidelines, 2015. Collection method: clinical testing. Allele origin: germline.

Ambry Genetics
Classification: Likely benign for Cardiovascular phenotype. Last evaluated: 2019-11-21. Review status: criteria provided, single submitter. Criteria: Ambry Variant Classification Scheme 2023. Collection method: clinical testing. Allele origin: germline.

Eurofins Ntd Llc (ga)
Classification: Uncertain significance. Last evaluated: 2018-09-14. Review status: criteria provided, single submitter. Criteria: EGL ClinVar v180209 classification definitions. Collection method: clinical testing. Allele origin: germline. Observed: 16 variant alleles, 16 heterozygotes.

Center for Advanced Laboratory Medicine, UC San Diego Health, University of California San Diego
Classification: Likely benign for Heart failure; Dilated cardiomyopathy. Last evaluated: 2018-07-03. Review status: criteria provided, single submitter. Criteria: ACMG Guidelines, 2015. Collection method: clinical testing. Allele origin: germline. Affected: yes. Observed: 4 variant alleles.

Laboratory for Molecular Medicine, Mass General Brigham Personalized Medicine
Classification: Likely benign. Last evaluated: 2017-06-05. Review status: criteria provided, single submitter. Criteria: LMM Criteria. Collection method: clinical testing. Allele origin: germline. Observed: 3 variant alleles.
Comment: p.Arg31523Trp in exon 307 of TTN: This variant is not expected to have clinical significance because it has been identified in 0.3% (33/10126) of Ashkenazi Jewi sh chromosomes by the Genome Aggregation Database (gnomAD; dbSNP rs140319117).

Illumina Laboratory Services, Illumina
Classification: Uncertain significance for Early-onset myopathy with fatal cardiomyopathy. Last evaluated: 2017-04-27. Review status: criteria provided, single submitter. Criteria: ICSL Variant Classification Criteria 13 December 2019. Collection method: clinical testing. Allele origin: germline.
Comment: This variant was observed as part of a predisposition screen in an ostensibly healthy population. A literature search was performed for the gene, cDNA change, and amino acid change (where applicable). Publications were found based on this search. However, the evidence from the literature, in combination with allele frequency data from public databases where available, was not sufficient to rule this variant in or out of causing disease. Therefore, this variant is classified as a variant of unknown significance.

Illumina Laboratory Services, Illumina
Classification: Benign for Myopathy, myofibrillar, 9, with early respiratory failure. Last evaluated: 2017-04-27. Review status: criteria provided, single submitter. Criteria: ICSL Variant Classification Criteria 13 December 2019. Collection method: clinical testing. Allele origin: germline.
Comment: This variant was observed as part of a predisposition screen in an ostensibly healthy population. A literature search was performed for the gene, cDNA change, and amino acid change (where applicable). Publications were found based on this search. The evidence from the literature, in combination with allele frequency data from public databases where available, was sufficient to rule this variant out of causing disease. Therefore, this variant is classified as benign.

NM_001267550.2(TTN):c.102271C>T (p.Arg34091Trp)

Genes: TTN (titin; minus strand), TTN-AS1 (TTN antisense RNA 1; plus strand). Cytogenetic location: 2q31.2.
Variant type: single nucleotide variant.
Coding change: c.102271C>T on transcript NM_001267550.2 (MANE Select); coding-DNA position 102271, C replaced by T.
Protein change: p.Arg34091Trp; replaces arginine 34091 with tryptophan.
Molecular consequence: missense variant.
Genome position (GRCh38, 1-based): chr2:178,534,344, G>A on the plus strand (C>T on the coding strand, the complement: TTN is on the minus strand). VCF-style: chr2-178534344-G-A. GRCh37 (hg19) VCF-style: chr2-179399071-G-A.
Other names: p.R32450W:CGG>TGG; Q8WZ42.4:p.Arg32450Trp; c.97348C>T, p.Arg32450Trp (NM_001256850.1); c.75076C>T, p.Arg25026Trp (NM_003319.4); c.94567C>T, p.Arg31523Trp (NM_133378.4); c.75451C>T, p.Arg25151Trp (NM_133432.3); c.75652C>T, p.Arg25218Trp (NM_133437.4); short protein forms R31523W, R34091W, R32450W, R25026W, R25151W, R25218W.
Identifiers: ClinVar variation 178157 (VCV000178157.106), dbSNP rs140319117, ClinGen allele CA211232.